The following is an entry in ClinVar:

NM_014159.7(SETD2):c.6963+5C>G

Gene: SETD2 (SET domain containing 2, histone lysine methyltransferase; minus strand). Cytogenetic location: 3p21.31.
Variant type: single nucleotide variant.
Coding change: c.6963+5C>G on transcript NM_014159.7 (MANE Select); 5 bases into the intron after coding-DNA position 6963, C replaced by G.
Molecular consequence: intron variant.
Genome position (GRCh38, 1-based): chr3:47,056,816, G>C on the plus strand (C>G on the coding strand, the complement: SETD2 is on the minus strand). VCF-style: chr3-47056816-G-C. GRCh37 (hg19) VCF-style: chr3-47098306-G-C.
Other names: c.6831+5C>G (NM_001349370.3).
Identifiers: ClinVar variation 507509 (VCV000507509.1), dbSNP rs1553683838, ClinGen allele CA658796301.
Genomic context (GRCh38, chr3:47,056,816, plus strand): 5'-CAGATTTAACTAACATCCCATGAACAGACCATAAAGCAGAAAAGAAAAGTTTCAGAATTA[G>C]TTACCTGTACAATTGGTGGAGTTGTCTGTGAATAAGGTGATGTCACACCATAGACTGTTG-3'

ClinVar aggregate classification (germline): Likely benign (1 of 4 stars; one submission).

Allele frequency attached by ClinVar (database versions not stated): gnomAD exomes below 0.00001; TOPMed below 0.00001.
gnomAD v4.1: 1 of 1,608,710 alleles (0.000062%); highest among the groups gnomAD compares: Non-Finnish European, 0.000085%; no homozygotes.

Submission:

GeneDx
Classification: Likely benign. Last evaluated: 2017-02-21. Review status: criteria provided, single submitter. Criteria: GeneDx Variant Classification (06012015). Collection method: clinical testing. Allele origin: germline. Affected: yes.
Comment: This variant is considered likely benign or benign based on one or more of the following criteria: it is a conservative change, it occurs at a poorly conserved position in the protein, it is predicted to be benign by multiple in silico algorithms, and/or has population frequency not consistent with disease.